The following is an entry in ClinVar:

ClinVar aggregate classification (germline): Benign/Likely benign. Review status: criteria provided, multiple submitters, no conflicts (2 of 4 stars). 3 submissions from 3 submitters: Benign (2); Likely benign (1). Last evaluated 2026-02-01.

Allele frequency attached by ClinVar (database versions not stated): TOPMed 0.00015; gnomAD 0.00019; ESP Exome Variant Server 0.00031; 1000 Genomes Project 30x 0.00078; 1000 Genomes Project 0.00080.
gnomAD v4.1: 941 of 1,593,448 alleles (0.059%); highest among the groups gnomAD compares: South Asian, 0.61%; 8 homozygotes.

Submissions (3):

Labcorp Genetics (formerly Invitae), Labcorp
Classification: Benign. Last evaluated: 2026-02-01. Review status: criteria provided, single submitter. Criteria: Invitae Variant Classification Sherloc (09022015). Collection method: clinical testing. Allele origin: germline.

CeGaT Center for Human Genetics Tuebingen
Classification: Likely benign. Last evaluated: 2025-07-01. Review status: criteria provided, single submitter. Criteria: CeGaT Center For Human Genetics Tuebingen Variant Classification Criteria Version 2. Collection method: clinical testing. Allele origin: germline. Affected: yes. Observed: 2 variant alleles.
Comment: GUCY2C: BP4, BP7

Breakthrough Genomics
Classification: Benign. Review status: criteria provided, single submitter. Criteria: ACMG Guidelines, 2015. Collection method: not provided. Allele origin: germline. Inheritance: Autosomal recessive inheritance. Affected: yes.

NM_004963.4(GUCY2C):c.1200C>T (p.His400=)

Genes: GUCY2C (guanylate cyclase 2C; minus strand), GUCY2C-AS1 (GUCY2C antisense RNA 1; plus strand). Cytogenetic location: 12p12.3.
Variant type: single nucleotide variant.
Coding change: c.1200C>T on transcript NM_004963.4 (MANE Select); coding-DNA position 1200, C replaced by T.
Protein change: p.His400=; no amino-acid change (histidine 400 retained).
Molecular consequence: synonymous variant.
Genome position (GRCh38, 1-based): chr12:14,669,804, G>A on the plus strand (C>T on the coding strand, the complement: GUCY2C is on the minus strand). VCF-style: chr12-14669804-G-A. GRCh37 (hg19) VCF-style: chr12-14822738-G-A.
Identifiers: ClinVar variation 740752 (VCV000740752.26), dbSNP rs199636407, ClinGen allele CA6463498.